The following is an entry in ClinVar:

ClinVar aggregate classification (germline): Pathogenic (1 of 4 stars; one submission).

Conditions:
Diamond-Blackfan anemia. Also called: Blackfan Diamond syndrome; Aregenerative anemia chronic congenital; Red cell aplasia, pure hereditary; Congenital hypoplastic anemia; Aase syndrome. Identifiers: Orphanet 124, MedGen C1260899, MeSH D029503, MONDO:0015253, HP:0004810.

Submission:

Ambry Genetics
Classification: Pathogenic for Diamond-Blackfan anemia. Last evaluated: 2018-05-10. Review status: criteria provided, single submitter. Criteria: Ambry Variant Classification Scheme 2023. Collection method: clinical testing. Allele origin: germline.
Comment: The c.26delA pathogenic mutation, located in coding exon 2 of the RPL5 gene, results from a deletion of one nucleotide at nucleotide position 26, causing a translational frameshift with a predicted alternate stop codon (p.N9Ifs*10). This alteration is expected to result in loss of function by premature protein truncation or nonsense-mediated mRNA decay. As such, this alteration is interpreted as a disease-causing mutation.

NM_000969.5(RPL5):c.26del (p.Asn9fs)

Genes: DIPK1A (divergent protein kinase domain 1A; minus strand), RPL5 (ribosomal protein L5; plus strand). Cytogenetic location: 1p22.1.
Variant type: Deletion.
Coding change: c.26del on transcript NM_000969.5 (MANE Select); coding-DNA position 26, one base deleted (A; older notation c.26delA).
Protein change: p.Asn9fs; shifts the reading frame from asparagine 9.
Molecular consequence: frameshift variant. On other transcripts: non-coding transcript variant (1), intron variant (1).
Genome position (GRCh38, 1-based): chr1:92,833,411, A deleted; the last of 2 consecutive A bases (chr1:92,833,410-92,833,411); deleting either gives the same sequence. VCF-style (leftmost placement, unchanged base first): chr1-92833409-GA-G. GRCh37 (hg19) VCF-style: chr1-93298966-GA-G.
Other names: c.475-376del (NM_001252273.2); short protein forms N9fs.
Identifiers: ClinVar variation 1794904 (VCV001794904.2), dbSNP rs2524447645, ClinGen allele CA2580063313.